The following is an entry in ClinVar:

ClinVar aggregate classification (germline): Pathogenic. Review status: criteria provided, multiple submitters, no conflicts (2 of 4 stars). 4 submissions from 4 submitters: Pathogenic (3). 1 of the submissions does not count toward it. Last evaluated 2025-07-15.

Conditions:
Hereditary cancer-predisposing syndrome. Also called: Neoplastic Syndromes, Hereditary; Tumor predisposition; Hereditary Cancer Syndrome; Hereditary neoplastic syndrome. Identifiers: Orphanet 140162, MedGen C0027672, MeSH D009386, MONDO:0015356.
Malignant tumor of urinary bladder. Also called: Bladder cancer; Urinary bladder cancer; Urinary Bladder Neoplasms. Identifiers: MedGen C0005684, MONDO:0001187, OMIM 109800.
Ataxia-telangiectasia syndrome (AT). Also called: ATAXIA-TELANGIECTASIA, COMPLEMENTATION GROUP A; ATAXIA-TELANGIECTASIA, FRESNO VARIANT; Ataxia-telangiectasia; Ataxia-telangiectasia, complementation group D; AT, COMPLEMENTATION GROUP C; Ataxia-telangiectasia, complementation group E. Identifiers: Orphanet 100, MedGen C0004135, MONDO:0008840, OMIM 208900.

gnomAD v4.1: 1 of 1,608,986 alleles (0.000062%); highest among the groups gnomAD compares: Non-Finnish European, 0.000085%; no homozygotes.

Submissions (4):

Ambry Genetics
Classification: Pathogenic for Hereditary cancer-predisposing syndrome. Last evaluated: 2025-07-15. Review status: criteria provided, single submitter. Criteria: Ambry Variant Classification Scheme 2023. Collection method: clinical testing. Allele origin: germline.
Comment: The p.W1026* pathogenic mutation (also known as c.3078G>A), located in coding exon 20 of the ATM gene, results from a G to A substitution at nucleotide position 3078. This changes the amino acid from a tryptophan to a stop codon within coding exon 20. This variant is considered to be rare based on population cohorts in the Genome Aggregation Database (gnomAD). This alteration is expected to result in loss of function by premature protein truncation or nonsense-mediated mRNA decay. As such, this alteration is interpreted as a disease-causing mutation.

Color Diagnostics, LLC DBA Color Health
Classification: Pathogenic for Hereditary cancer-predisposing syndrome. Last evaluated: 2024-01-29. Review status: criteria provided, single submitter. Criteria: ACMG Guidelines, 2015. Collection method: clinical testing. Allele origin: germline.
Comment: This variant changes 1 nucleotide in exon 21/63 of the ATM gene, creating a premature translation stop signal. This variant is expected to result in an absent or non-functional protein product. To our knowledge, this variant has not been reported in individuals affected with ATM-related disorders in the literature. This variant has not been identified in the general population by the Genome Aggregation Database (gnomAD). Loss of ATM function is a known mechanism of disease. Based on the available evidence, this variant is classified as Pathogenic.

Labcorp Genetics (formerly Invitae), Labcorp
Classification: Pathogenic for Ataxia-telangiectasia syndrome. Last evaluated: 2022-07-06. Review status: criteria provided, single submitter. Criteria: Invitae Variant Classification Sherloc (09022015). Collection method: clinical testing. Allele origin: germline.
Comment: For these reasons, this variant has been classified as Pathogenic. ClinVar contains an entry for this variant (Variation ID: 524353). This variant has not been reported in the literature in individuals affected with ATM-related conditions. This variant is not present in population databases (gnomAD no frequency). This sequence change creates a premature translational stop signal (p.Trp1026*) in the ATM gene. It is expected to result in an absent or disrupted protein product. Loss-of-function variants in ATM are known to be pathogenic (PMID: 23807571, 25614872).

Laboratory of Urology, Hospital Clinic de Barcelona
Classification: Pathogenic for Malignant tumor of urinary bladder. Review status: no assertion criteria provided. Collection method: research. Allele origin: somatic. Affected: yes. Not counted in ClinVar's aggregate classification.

Literature cited by the submitters: PubMed 23807571 (cited by Labcorp Genetics (formerly Invitae), Labcorp); PubMed 25614872 (cited by Labcorp Genetics (formerly Invitae), Labcorp).

NM_000051.4(ATM):c.3078G>A (p.Trp1026Ter)

Gene: ATM (ATM serine/threonine kinase; plus strand). Cytogenetic location: 11q22.3.
Variant type: single nucleotide variant.
Coding change: c.3078G>A on transcript NM_000051.4 (MANE Select); coding-DNA position 3078, G replaced by A.
Protein change: p.Trp1026Ter; replaces tryptophan 1026 with a stop codon.
Molecular consequence: nonsense.
Genome position (GRCh38, 1-based): chr11:108,272,532, G>A. VCF-style: chr11-108272532-G-A. GRCh37 (hg19) VCF-style: chr11-108143259-G-A.
Other names: c.3078G>A, p.Trp1026Ter (NM_001351834.2); short protein forms W1026*.
Identifiers: ClinVar variation 524353 (VCV000524353.8), dbSNP rs876660869, ClinGen allele CA382514980.